The following is an entry in ClinVar:

NM_001288705.3(CSF1R):c.1509A>C (p.Ala503=)

Gene: CSF1R (colony stimulating factor 1 receptor; minus strand). Cytogenetic location: 5q32.
Variant type: single nucleotide variant.
Coding change: c.1509A>C on transcript NM_001288705.3 (MANE Select); coding-DNA position 1509, A replaced by C.
Protein change: p.Ala503=; no amino-acid change (alanine 503 retained).
Molecular consequence: synonymous variant. On other transcripts: non-coding transcript variant (2).
Genome position (GRCh38, 1-based): chr5:150,069,874, T>G on the plus strand (A>C on the coding strand, the complement: CSF1R is on the minus strand). VCF-style: chr5-150069874-T-G. GRCh37 (hg19) VCF-style: chr5-149449437-T-G.
Other names: c.1509A>C, p.Ala503= (NM_001349736.2, NM_001375320.1, NM_005211.4); c.1065A>C, p.Ala355= (NM_001375321.1).
Identifiers: ClinVar variation 3011524 (VCV003011524.3), dbSNP rs749750902, ClinGen allele CA3506837.
Genomic context (GRCh38, chr5:150,069,874, plus strand): 5'-AAGGAGCAGGGGCGGGGGGCGGGCGGGGGGGCGGTGCGGGTGCGAAGGCTCCCTCTCACC[T>G]GCAGAGATGGGTATGAAGGCCCAGGAGCCACTCCCCACGCTGTTGTGGGCCCTGCACTCG-3'
Protein context (NP_001275634.1, residues 493-513): SGSWAFIPIS[Ala503=]GAHTHPPDEF

ClinVar aggregate classification (germline): Uncertain significance (1 of 4 stars; one submission).

Allele frequency attached by ClinVar (database versions not stated): TOPMed below 0.00001; gnomAD 0.00001; gnomAD exomes 0.00001; ExAC 0.00002.
gnomAD v4.1: 8 of 1,607,456 alleles (0.0005%); highest among the groups gnomAD compares: Middle Eastern, 0.035%; no homozygotes.

Submission:

Labcorp Genetics (formerly Invitae), Labcorp
Classification: Uncertain significance. Last evaluated: 2023-05-07. Review status: criteria provided, single submitter. Criteria: Invitae Variant Classification Sherloc (09022015). Collection method: clinical testing. Allele origin: germline.
Comment: In summary, the available evidence is currently insufficient to determine the role of this variant in disease. Therefore, it has been classified as a Variant of Uncertain Significance. Algorithms developed to predict the effect of sequence changes on RNA splicing suggest that this variant is not likely to affect RNA splicing. This variant has not been reported in the literature in individuals affected with CSF1R-related conditions. This variant is present in population databases (rs749750902, gnomAD 0.02%). This sequence change affects codon 503 of the CSF1R mRNA. It is a 'silent' change, meaning that it does not change the encoded amino acid sequence of the CSF1R protein. It affects a nucleotide within the consensus splice site.